The following is an entry in ClinVar:

NM_000487.6(ARSA):c.1495C>T (p.Pro499Ser)

Gene: ARSA (arylsulfatase A; minus strand). Cytogenetic location: 22q13.33.
Variant type: single nucleotide variant.
Coding change: c.1495C>T on transcript NM_000487.6 (MANE Select); coding-DNA position 1495, C replaced by T.
Protein change: p.Pro499Ser; replaces proline 499 with serine.
Molecular consequence: missense variant.
Genome position (GRCh38, 1-based): chr22:50,625,180, G>A on the plus strand (C>T on the coding strand, the complement: ARSA is on the minus strand). VCF-style: chr22-50625180-G-A. GRCh37 (hg19) VCF-style: chr22-51063608-G-A.
Other names: c.1495C>T, p.Pro499Ser (NM_001085425.3, NM_001085426.3, NM_001085427.3); c.1237C>T, p.Pro413Ser (NM_001085428.3, NM_001362782.2); short protein forms P413S, P499S.
Identifiers: ClinVar variation 4810113 (VCV004810113.1).

ClinVar aggregate classification (germline): Uncertain significance (1 of 4 stars; one submission).

Conditions:
Metachromatic leukodystrophy (MLD). Also called: Cerebral sclerosis diffuse metachromatic form; Arylsulfatase A Deficiency; ARSA DEFICIENCY; CEREBROSIDE SULFATASE DEFICIENCY; METACHROMATIC LEUKOENCEPHALOPATHY; SULFATIDE LIPIDOSIS. Identifiers: Orphanet 512, MedGen C0023522, MONDO:0018868, OMIM 250100.

gnomAD v4.1: 1 of 1,595,346 alleles (0.000063%); highest among the groups gnomAD compares: Non-Finnish European, 0.000085%; no homozygotes.

Submission:

Labcorp Genetics (formerly Invitae), Labcorp
Classification: Uncertain significance for Metachromatic leukodystrophy. Last evaluated: 2025-03-25. Review status: criteria provided, single submitter. Criteria: Invitae Variant Classification Sherloc (09022015). Collection method: clinical testing. Allele origin: germline.
Comment: This sequence change replaces proline, which is neutral and non-polar, with serine, which is neutral and polar, at codon 499 of the ARSA protein (p.Pro499Ser). This variant is not present in population databases (gnomAD no frequency). This variant has not been reported in the literature in individuals affected with ARSA-related conditions. Invitae Evidence Modeling of protein sequence and biophysical properties (such as structural, functional, and spatial information, amino acid conservation, physicochemical variation, residue mobility, and thermodynamic stability) indicates that this missense variant is expected to disrupt ARSA protein function with a positive predictive value of 95%. In summary, the available evidence is currently insufficient to determine the role of this variant in disease. Therefore, it has been classified as a Variant of Uncertain Significance.